The following is an entry in ClinVar:

ClinVar aggregate classification (germline): Uncertain significance (1 of 4 stars; one submission).

Allele frequency attached by ClinVar (database versions not stated): TOPMed below 0.00001.

Submission:

Labcorp Genetics (formerly Invitae), Labcorp
Classification: Uncertain significance. Last evaluated: 2025-06-15. Review status: criteria provided, single submitter. Criteria: Invitae Variant Classification Sherloc (09022015). Collection method: clinical testing. Allele origin: germline.
Comment: This sequence change replaces arginine, which is basic and polar, with threonine, which is neutral and polar, at codon 114 of the RPL15 protein (p.Arg114Thr). This variant is present in population databases (no rsID available, gnomAD 0.007%). This variant has not been reported in the literature in individuals affected with RPL15-related conditions. ClinVar contains an entry for this variant (Variation ID: 2184273). An algorithm developed to predict the effect of missense changes on protein structure and function (PolyPhen-2) suggests that this variant is likely to be disruptive. In summary, the available evidence is currently insufficient to determine the role of this variant in disease. Therefore, it has been classified as a Variant of Uncertain Significance.

NM_002948.5(RPL15):c.341G>C (p.Arg114Thr)

Genes: NKIRAS1 (NFKB inhibitor interacting Ras like 1; minus strand), RPL15 (ribosomal protein L15; plus strand). Cytogenetic location: 3p24.2.
Variant type: single nucleotide variant.
Coding change: c.341G>C on transcript NM_002948.5 (MANE Select); coding-DNA position 341, G replaced by C.
Protein change: p.Arg114Thr; replaces arginine 114 with threonine.
Molecular consequence: missense variant. On other transcripts: intron variant (1).
Genome position (GRCh38, 1-based): chr3:23,919,227, G>C. VCF-style: chr3-23919227-G-C. GRCh37 (hg19) VCF-style: chr3-23960718-G-C.
Other names: c.-139-7777C>G (NM_001377380.1); c.341G>C, p.Arg114Thr (NM_001253379.2, NM_001253380.2, NM_001253382.2 and 2 more transcripts); short protein forms R114T.
Identifiers: ClinVar variation 2184273 (VCV002184273.3), dbSNP rs768764156, ClinGen allele CA351881983.